The following is an entry in ClinVar:

ClinVar aggregate classification (germline): Likely benign. Review status: criteria provided, multiple submitters, no conflicts (2 of 4 stars). 2 submissions from 2 submitters: Likely benign (2). Last evaluated 2025-08-01.

Conditions:
Tuberous sclerosis 2 (TSC2). Identifiers: Orphanet 805, MedGen C1860707, MONDO:0013199, OMIM 613254.

gnomAD v4.1: 1 of 1,612,790 alleles (0.000062%); highest among the groups gnomAD compares: South Asian, 0.0011%; no homozygotes.

Submissions (2):

CeGaT Center for Human Genetics Tuebingen
Classification: Likely benign. Last evaluated: 2025-08-01. Review status: criteria provided, single submitter. Criteria: CeGaT Center For Human Genetics Tuebingen Variant Classification Criteria Version 2. Collection method: clinical testing. Allele origin: germline. Affected: yes. Observed: 1 variant allele.
Comment: TSC2: BP4, BP7

Labcorp Genetics (formerly Invitae), Labcorp
Classification: Likely benign for Tuberous sclerosis 2. Last evaluated: 2022-09-26. Review status: criteria provided, single submitter. Criteria: Invitae Variant Classification Sherloc (09022015). Collection method: clinical testing. Allele origin: germline.

NM_000548.5(TSC2):c.2853A>G (p.Arg951=)

Gene: TSC2 (TSC complex subunit 2; plus strand). Cytogenetic location: 16p13.3.
Variant type: single nucleotide variant.
Coding change: c.2853A>G on transcript NM_000548.5 (MANE Select); coding-DNA position 2853, A replaced by G.
Protein change: p.Arg951=; no amino-acid change (arginine 951 retained).
Molecular consequence: synonymous variant. On other transcripts: intron variant (9).
Genome position (GRCh38, 1-based): chr16:2,077,613, A>G. VCF-style: chr16-2077613-A-G. GRCh37 (hg19) VCF-style: chr16-2127614-A-G.
Other names: c.2853A>G, p.Arg951= (NM_001114382.3); c.2837+1028A>G (NM_021055.3, NM_001370405.1, NM_001363528.2 and 2 more transcripts); c.2726+1028A>G (NM_001318827.2); c.2237+1028A>G (NM_001318831.2); c.2690+1028A>G (NM_001318829.2); c.2870+1028A>G (NM_001318832.2).
Identifiers: ClinVar variation 1615027 (VCV001615027.16), dbSNP rs45517273, ClinGen allele CA492954867.